The following is an entry in ClinVar:

NM_015102.5(NPHP4):c.2312T>A (p.Leu771His)

Gene: NPHP4 (nephrocystin 4; minus strand). Cytogenetic location: 1p36.31.
Variant type: single nucleotide variant.
Coding change: c.2312T>A on transcript NM_015102.5 (MANE Select); coding-DNA position 2312, T replaced by A.
Protein change: p.Leu771His; replaces leucine 771 with histidine.
Molecular consequence: missense variant. On other transcripts: non-coding transcript variant (1).
Genome position (GRCh38, 1-based): chr1:5,887,459, A>T on the plus strand (T>A on the coding strand, the complement: NPHP4 is on the minus strand). VCF-style: chr1-5887459-A-T. GRCh37 (hg19) VCF-style: chr1-5947519-A-T.
Other names: c.773T>A, p.Leu258His (NM_001291593.2); c.776T>A, p.Leu259His (NM_001291594.2); short protein forms L258H, L259H, L771H.
Identifiers: ClinVar variation 971799 (VCV000971799.9), dbSNP rs1237462272, ClinGen allele CA338058862.

ClinVar aggregate classification (germline): Uncertain significance (1 of 4 stars; one submission).

Conditions:
Nephronophthisis. Also called: Juvenile Nephronophthisis. Identifiers: Orphanet 655, MedGen C0687120, MONDO:0019005, HP:0000090.

Allele frequency attached by ClinVar (database versions not stated): gnomAD exomes below 0.00001; TOPMed below 0.00001.
gnomAD v4.1: 2 of 1,613,024 alleles (0.00012%); highest among the groups gnomAD compares: Non-Finnish European, 0.00017%; no homozygotes.

Submission:

Labcorp Genetics (formerly Invitae), Labcorp
Classification: Uncertain significance for Nephronophthisis. Last evaluated: 2019-09-28. Review status: criteria provided, single submitter. Criteria: Invitae Variant Classification Sherloc (09022015). Collection method: clinical testing. Allele origin: germline.
Comment: In summary, the available evidence is currently insufficient to determine the role of this variant in disease. Therefore, it has been classified as a Variant of Uncertain Significance. Algorithms developed to predict the effect of missense changes on protein structure and function are either unavailable or do not agree on the potential impact of this missense change (SIFT: "Deleterious"; PolyPhen-2: "Probably Damaging"; Align-GVGD: "Class C0"). This variant has not been reported in the literature in individuals with NPHP4-related conditions. This variant is not present in population databases (ExAC no frequency). This sequence change replaces leucine with histidine at codon 771 of the NPHP4 protein (p.Leu771His). The leucine residue is moderately conserved and there is a moderate physicochemical difference between leucine and histidine.